The following is an entry in ClinVar:

NM_001497.4(B4GALT1):c.61C>T (p.Arg21Trp)

Genes: B4GALT1 (beta-1,4-galactosyltransferase 1; minus strand), B4GALT1-AS1 (B4GALT1 antisense RNA 1; plus strand). Cytogenetic location: 9p21.1.
Variant type: single nucleotide variant.
Coding change: c.61C>T on transcript NM_001497.4 (MANE Select); coding-DNA position 61, C replaced by T.
Protein change: p.Arg21Trp; replaces arginine 21 with tryptophan.
Molecular consequence: missense variant.
Genome position (GRCh38, 1-based): chr9:33,167,109, G>A on the plus strand (C>T on the coding strand, the complement: B4GALT1 is on the minus strand). VCF-style: chr9-33167109-G-A. GRCh37 (hg19) VCF-style: chr9-33167107-G-A.
Other names: B4GALT1, ARG21TRP; R21W; c.22C>T, p.Arg8Trp (NM_001378495.1); c.61C>T, p.Arg21Trp (NM_001378496.1, NM_001378497.1); short protein forms R8W.
Identifiers: ClinVar variation 998094 (VCV000998094.2), dbSNP rs1065764, ClinGen allele CA192421071.

ClinVar aggregate classification (germline): Uncertain significance. Review status: criteria provided, single submitter (1 of 4 stars). 2 submissions from 2 submitters: Uncertain significance (1). 1 of the submissions does not count toward it. Last evaluated 2018-04-10.

Conditions:
B4GALT1-congenital disorder of glycosylation. Also called: CONGENITAL DISORDER OF GLYCOSYLATION, TYPE IId; CDG IId; B4GALT1-CDG. Identifiers: Orphanet 79332, MedGen C2931009, MONDO:0011772, OMIM 607091.

Allele frequency attached by ClinVar (database versions not stated): gnomAD exomes below 0.00001; gnomAD 0.00002; TOPMed 0.00002.

Submissions (2):

Baylor Genetics
Classification: Uncertain significance for B4GALT1-congenital disorder of glycosylation. Last evaluated: 2018-04-10. Review status: criteria provided, single submitter. Criteria: ACMG Guidelines, 2015. Collection method: clinical testing. Allele origin: unknown. Affected: yes.
Comment: This variant was determined to be of uncertain significance according to ACMG Guidelines, 2015 [PMID:25741868].

OMIM
Classification: Pathogenic for CONGENITAL DISORDER OF GLYCOSYLATION, TYPE IId. Last evaluated: 2021-03-02. Review status: no assertion criteria provided. Collection method: literature only. Allele origin: germline. Not counted in ClinVar's aggregate classification.

Literature cited by the submitters: Staretz-Chacham, O. Personal Communication. 2021. Beer Sheva, Israel (cited by OMIM); PubMed 32157688 (cited by OMIM).